The following is an entry in ClinVar:

NM_004525.3(LRP2):c.6948_6949del (p.Ile2316fs)

Gene: LRP2 (LDL receptor related protein 2; minus strand). Cytogenetic location: 2q31.1.
Variant type: Deletion.
Coding change: c.6948_6949del on transcript NM_004525.3 (MANE Select); coding-DNA positions 6948 to 6949, 2 bases deleted (AA; older notation c.6948_6949delAA).
Protein change: p.Ile2316fs; shifts the reading frame from isoleucine 2316.
Molecular consequence: frameshift variant.
Genome position (GRCh38, 1-based): chr2:169,206,771-169,206,772, TT deleted on the plus strand (AA on the coding strand, the reverse complement: LRP2 is on the minus strand). VCF-style (leftmost placement, unchanged base first): chr2-169206770-CTT-C. GRCh37 (hg19) VCF-style: chr2-170063280-CTT-C.
Other names: short protein forms I2316fs.
Identifiers: ClinVar variation 5006124 (VCV005006124.2).

ClinVar aggregate classification (germline): Likely pathogenic (1 of 4 stars; one submission).

Conditions:
Donnai-Barrow syndrome. Also called: DBS/FOAR SYNDROME; FACIOOCULOACOUSTICORENAL SYNDROME. Identifiers: Orphanet 2143, MedGen C1857277, MONDO:0009104, OMIM 222448.

Submission:

Juno Genomics, Hangzhou Juno Genomics, Inc
Classification: Likely pathogenic for Donnai-Barrow syndrome. Review status: criteria provided, single submitter. Criteria: ACMG Guidelines, 2015. Collection method: clinical testing. Allele origin: germline.
Comment: Null variant in a gene where loss of function (LOF) is a known mechanism of disease.;Absent from controls (or at extremely low frequency if recessive) in Genome Aggregation Database.